The following is an entry in ClinVar:

ClinVar aggregate classification (germline): Uncertain significance (1 of 4 stars; one submission).

Submission:

GeneDx
Classification: Uncertain significance. Last evaluated: 2025-03-13. Review status: criteria provided, single submitter. Criteria: GeneDx Variant Classification Process June 2021. Collection method: clinical testing. Allele origin: germline. Affected: yes.
Comment: Not observed at significant frequency in large population cohorts (gnomAD); In silico analysis supports that this missense variant has a deleterious effect on protein structure/function; Has not been previously published as pathogenic or benign to our knowledge

NM_001655.5(ARCN1):c.1193A>C (p.Gln398Pro)

Gene: ARCN1 (archain 1 coat protein complex I subunit delta; plus strand). Cytogenetic location: 11q23.3.
Variant type: single nucleotide variant.
Coding change: c.1193A>C on transcript NM_001655.5 (MANE Select); coding-DNA position 1193, A replaced by C.
Protein change: p.Gln398Pro; replaces glutamine 398 with proline.
Molecular consequence: missense variant. On other transcripts: non-coding transcript variant (2).
Genome position (GRCh38, 1-based): chr11:118,593,650, A>C. VCF-style: chr11-118593650-A-C. GRCh37 (hg19) VCF-style: chr11-118464365-A-C.
Other names: c.929A>C, p.Gln310Pro (NM_001142281.2, NM_001425081.1); c.1193A>C, p.Gln398Pro (NM_001425073.1, NM_001425078.1); c.1190A>C, p.Gln397Pro (NM_001425074.1, NM_001425079.1); c.1136A>C, p.Gln379Pro (NM_001425075.1); c.1124A>C, p.Gln375Pro (NM_001425076.1); c.1028A>C, p.Gln343Pro (NM_001425077.1); c.749A>C, p.Gln250Pro (NM_001425080.1); short protein forms Q250P, Q310P, Q343P, Q375P, Q379P, Q397P, Q398P.
Identifiers: ClinVar variation 4083189 (VCV004083189.1).